The following is an entry in ClinVar:

NM_004260.4(RECQL4):c.3376G>A (p.Glu1126Lys)

Gene: RECQL4 (RecQ like helicase 4; minus strand). Cytogenetic location: 8q24.3.
Variant type: single nucleotide variant.
Coding change: c.3376G>A on transcript NM_004260.4 (MANE Select); coding-DNA position 3376, G replaced by A.
Protein change: p.Glu1126Lys; replaces glutamic acid 1126 with lysine.
Molecular consequence: missense variant.
Genome position (GRCh38, 1-based): chr8:144,511,928, C>T on the plus strand (G>A on the coding strand, the complement: RECQL4 is on the minus strand). VCF-style: chr8-144511928-C-T. GRCh37 (hg19) VCF-style: chr8-145737311-C-T.
Other names: short protein forms E1126K.
Identifiers: ClinVar variation 579149 (VCV000579149.10), dbSNP rs779826649, ClinGen allele CA4947796.
Genomic context (GRCh38, chr8:144,511,928, plus strand): 5'-GAACCTGCAACCCCGATGAGCTGCCTGGCCTTACTGCACTCACTCTGGCCTGCCCTGGCT[C>T]GGGGCCCTGTGCGTCCTCCATGCCTCCCGGCTCCTGCCCTTCCTCTTCCTCAAAGTAGCG-3'
Protein context (NP_004251.4, residues 1116-1136): PGGMEDAQGP[Glu1126Lys]PGQARLQDWE

ClinVar aggregate classification (germline): Uncertain significance. Review status: criteria provided, multiple submitters, no conflicts (2 of 4 stars). 2 submissions from 2 submitters: Uncertain significance (2). Last evaluated 2025-12-15.

Conditions:
RECQL4-related disorder. Also called: RECQL4-related disorders; RECQL4-related condition.
Baller-Gerold syndrome (BGS). Also called: CRANIOSYNOSTOSIS WITH RADIAL DEFECTS. Identifiers: Orphanet 1225, MedGen C0265308, MONDO:0009039, OMIM 218600.

Allele frequency attached by ClinVar (database versions not stated): gnomAD 0.00001; gnomAD exomes 0.00002; TOPMed 0.00002; ExAC 0.00003.
gnomAD v4.1: 32 of 1,610,932 alleles (0.002%); highest among the groups gnomAD compares: Non-Finnish European, 0.0024%; no homozygotes.

Submissions (2):

Labcorp Genetics (formerly Invitae), Labcorp
Classification: Uncertain significance for Baller-Gerold syndrome. Last evaluated: 2025-12-15. Review status: criteria provided, single submitter. Criteria: Invitae Variant Classification Sherloc (09022015). Collection method: clinical testing. Allele origin: germline.
Comment: This sequence change replaces glutamic acid, which is acidic and polar, with lysine, which is basic and polar, at codon 1126 of the RECQL4 protein (p.Glu1126Lys). This variant is present in population databases (rs779826649, gnomAD 0.003%). This variant has not been reported in the literature in individuals affected with RECQL4-related conditions. ClinVar contains an entry for this variant (Variation ID: 579149). Invitae Evidence Modeling of protein sequence and biophysical properties (such as structural, functional, and spatial information, amino acid conservation, physicochemical variation, residue mobility, and thermodynamic stability) indicates that this missense variant is not expected to disrupt RECQL4 protein function with a negative predictive value of 80%. In summary, the available evidence is currently insufficient to determine the role of this variant in disease. Therefore, it has been classified as a Variant of Uncertain Significance.

PreventionGenetics, part of Exact Sciences
Classification: Uncertain significance for RECQL4-related condition. Last evaluated: 2025-06-09. Review status: criteria provided, single submitter. Criteria: ACMG Guidelines, 2015. Collection method: clinical testing. Allele origin: germline.
Comment: The RECQL4 c.3376G>A variant is predicted to result in the amino acid substitution p.Glu1126Lys. To our knowledge, this variant has not been reported in the literature. This variant is reported in 0.0033% of alleles in individuals of South Asian descent in gnomAD. At this time, the clinical significance of this variant is uncertain due to the absence of conclusive functional and genetic evidence.